The following is an entry in ClinVar:

NM_024939.3(ESRP2):c.1388G>A (p.Gly463Glu)

Gene: ESRP2 (epithelial splicing regulatory protein 2; minus strand). Cytogenetic location: 16q22.1.
Variant type: single nucleotide variant.
Coding change: c.1388G>A on transcript NM_024939.3 (MANE Select); coding-DNA position 1388, G replaced by A.
Protein change: p.Gly463Glu; replaces glycine 463 with glutamic acid.
Molecular consequence: missense variant.
Genome position (GRCh38, 1-based): chr16:68,231,606, C>T on the plus strand (G>A on the coding strand, the complement: ESRP2 is on the minus strand). VCF-style: chr16-68231606-C-T. GRCh37 (hg19) VCF-style: chr16-68265509-C-T.
Other names: c.1418G>A, p.Gly473Glu (NM_001365264.1); c.1388G>A, p.Gly463Glu (NM_001365265.1); c.1388G>A (NM_024939.2); short protein forms G463E, G473E.
Identifiers: ClinVar variation 2635946 (VCV002635946.2), dbSNP rs772659010, ClinGen allele CA8125269.
Genomic context (GRCh38, chr16:68,231,606, plus strand): 5'-CTCAGGATGTCTTCAATGGTGGCCGTGTAGGGCAGGCCTCGGAGGCGTACACAGTCCCTC[C>T]CAGTCCCAGGTGCCAGTGGGAAGGGGATGGGCAGCAGTGGGGCAGTCAGTGTAGGAAGGA-3'
Protein context (NP_079215.2, residues 453-473): PIPFPLAPGT[Gly463Glu]RDCVRLRGLP

ClinVar aggregate classification (germline): Uncertain significance. Review status: criteria provided, multiple submitters, no conflicts (2 of 4 stars). 2 submissions from 2 submitters: Uncertain significance (2). Last evaluated 2024-03-28.

Conditions:
ESRP2-related disorder. Also called: ESRP2-related condition.

Allele frequency attached by ClinVar (database versions not stated): ExAC 0.00001.
gnomAD v4.1: 10 of 1,613,824 alleles (0.00062%); highest among the groups gnomAD compares: Non-Finnish European, 0.00085%; no homozygotes.

Submissions (2):

Ambry Genetics
Classification: Uncertain significance. Last evaluated: 2024-03-28. Review status: criteria provided, single submitter. Criteria: Ambry Variant Classification Scheme 2023. Collection method: clinical testing. Allele origin: germline.

PreventionGenetics, part of Exact Sciences
Classification: Uncertain significance for ESRP2-related condition. Last evaluated: 2023-07-18. Review status: criteria provided, single submitter. Criteria: ACMG Guidelines, 2015. Collection method: clinical testing. Allele origin: germline.
Comment: The ESRP2 c.1418G>A variant is predicted to result in the amino acid substitution p.Gly473Glu. To our knowledge, this variant has not been reported in the literature. This variant is reported in 0.0026% of alleles in individuals of European (Non-Finnish) descent in gnomAD. At this time, the clinical significance of this variant is uncertain due to the absence of conclusive functional and genetic evidence.